The following is an entry in ClinVar:

ClinVar aggregate classification (germline): Uncertain significance. Review status: criteria provided, multiple submitters, no conflicts (2 of 4 stars). 2 submissions from 2 submitters: Uncertain significance (2). Last evaluated 2024-06-23.

Conditions:
Congenital myasthenic syndrome 2A. Also called: Myasthenic syndrome, congenital, 2a, slow-channel. Identifiers: Orphanet 590, MedGen C4225374, MONDO:0014581, OMIM 616313.

Allele frequency attached by ClinVar (database versions not stated): TOPMed below 0.00001; gnomAD 0.00001; ExAC 0.00002.

Submissions (2):

Labcorp Genetics (formerly Invitae), Labcorp
Classification: Uncertain significance for Congenital myasthenic syndrome 2A. Last evaluated: 2024-06-23. Review status: criteria provided, single submitter. Criteria: Invitae Variant Classification Sherloc (09022015). Collection method: clinical testing. Allele origin: germline.
Comment: This sequence change replaces arginine, which is basic and polar, with tryptophan, which is neutral and slightly polar, at codon 216 of the CHRNB1 protein (p.Arg216Trp). This variant is present in population databases (rs780988754, gnomAD 0.008%). This variant has not been reported in the literature in individuals affected with CHRNB1-related conditions. ClinVar contains an entry for this variant (Variation ID: 871291). Advanced modeling of protein sequence and biophysical properties (such as structural, functional, and spatial information, amino acid conservation, physicochemical variation, residue mobility, and thermodynamic stability) performed at Invitae indicates that this missense variant is not expected to disrupt CHRNB1 protein function with a negative predictive value of 80%. In summary, the available evidence is currently insufficient to determine the role of this variant in disease. Therefore, it has been classified as a Variant of Uncertain Significance.

CeGaT Center for Human Genetics Tuebingen
Classification: Uncertain significance. Last evaluated: 2019-08-01. Review status: criteria provided, single submitter. Criteria: CeGaT Center For Human Genetics Tuebingen Variant Classification Criteria Version 2. Collection method: clinical testing. Allele origin: germline. Affected: yes. Observed: 1 variant allele.

NM_000747.3(CHRNB1):c.646C>T (p.Arg216Trp)

Gene: CHRNB1 (cholinergic receptor nicotinic beta 1 subunit; plus strand). Cytogenetic location: 17p13.1.
Variant type: single nucleotide variant.
Coding change: c.646C>T on transcript NM_000747.3 (MANE Select); coding-DNA position 646, C replaced by T.
Protein change: p.Arg216Trp; replaces arginine 216 with tryptophan.
Molecular consequence: missense variant.
Genome position (GRCh38, 1-based): chr17:7,448,614, C>T. VCF-style: chr17-7448614-C-T. GRCh37 (hg19) VCF-style: chr17-7351933-C-T.
Other names: short protein forms R216W.
Identifiers: ClinVar variation 871291 (VCV000871291.45), dbSNP rs780988754, ClinGen allele CA8347844.
Genomic context (GRCh38, chr17:7,448,614, plus strand): 5'-TTCCCCTCCTTCTGCTCATCCCCAGAGAATGGCCAGTGGGAGATTATCCACAAGCCCTCT[C>T]GGCTAATCCAGCCTCCAGGCGATCCTAGGGGAGGGAGGGAAGGACAGCGCCAGGAAGTCA-3'
Protein context (NP_000738.2, residues 206-226): GQWEIIHKPS[Arg216Trp]LIQPPGDPRG